The following is an entry in ClinVar:

NM_000130.5(F5):c.43G>A (p.Gly15Ser)

Gene: F5 (coagulation factor V; minus strand). Cytogenetic location: 1q24.2.
Variant type: single nucleotide variant.
Coding change: c.43G>A on transcript NM_000130.5 (MANE Select); coding-DNA position 43, G replaced by A.
Protein change: p.Gly15Ser; replaces glycine 15 with serine.
Molecular consequence: missense variant.
Genome position (GRCh38, 1-based): chr1:169,586,344, C>T on the plus strand (G>A on the coding strand, the complement: F5 is on the minus strand). VCF-style: chr1-169586344-C-T. GRCh37 (hg19) VCF-style: chr1-169555582-C-T.
Other names: short protein forms G15S.
Identifiers: ClinVar variation 293644 (VCV000293644.16), dbSNP rs9332485, ClinGen allele CA1234749.
Genomic context (GRCh38, chr1:169,586,344, plus strand): 5'-AGAACTGCCTTAGCTGTGCCGCTTCTGTCCCTTGGCTCCCCCAGCCTACCCAGCTGGTGC[C>T]CAAGACCACCAGGACCCAGAGGCGTGGGCAGCCTGGGAACATGCTTCCTTTCCTGCTCCC-3'
Protein context (NP_000121.2, residues 5-25): CPRLWVLVVL[Gly15Ser]TSWVGWGSQG

ClinVar aggregate classification (germline): Benign/Likely benign. Review status: criteria provided, multiple submitters, no conflicts (2 of 4 stars). 7 submissions from 5 submitters: Benign (5); Likely benign (2). Last evaluated 2026-02-01.

Conditions:
Thrombophilia due to thrombin defect (THPH1). Also called: Thrombosis susceptibility; THROMBOPHILIA DUE TO FACTOR 2 DEFECT; Prothrombin-Related Thrombophilia (Factor II); Prothrombin Thrombophilia. Identifiers: MedGen C3160733, MONDO:0008559, OMIM 188050. Disease mechanism: gain of function, loss of function.
Congenital factor V deficiency. Also called: Hereditary factor V deficiency disease; LABILE FACTOR DEFICIENCY; PARAHEMOPHILIA; OWREN PARAHEMOPHILIA. Identifiers: Orphanet 326, MedGen C0015499, MONDO:0009210, OMIM 227400.
Factor V deficiency. Also called: Reduced coagulation factor V activity. Identifiers: Orphanet 326, MedGen C4317320, MONDO:0020586, HP:0003225.
Budd-Chiari syndrome (BDCHS). Also called: Hepatic vein obstruction. Identifiers: Orphanet 131, MedGen C0856761, MONDO:0010947, OMIM 600880, HP:0002639.

Allele frequency attached by ClinVar (database versions not stated): gnomAD exomes 0.00186 and 0.00472; ExAC 0.00583; gnomAD 0.01740 and 0.01876; ESP Exome Variant Server 0.01791; 1000 Genomes Project 0.01897; TOPMed 0.01989; 1000 Genomes Project 30x 0.01999.

Submissions (7):

Labcorp Genetics (formerly Invitae), Labcorp
Classification: Benign for Congenital factor V deficiency. Last evaluated: 2026-02-01. Review status: criteria provided, single submitter. Criteria: Invitae Variant Classification Sherloc (09022015). Collection method: clinical testing. Allele origin: germline.

Genomic Medicine Center of Excellence, King Faisal Specialist Hospital and Research Centre
Classification: Likely benign. Last evaluated: 2025-08-18. Review status: criteria provided, single submitter. Criteria: ACMG Guidelines, 2015. Collection method: clinical testing. Allele origin: germline.

Mayo Clinic Laboratories, Mayo Clinic
Classification: Benign. Last evaluated: 2024-05-16. Review status: criteria provided, single submitter. Criteria: ACMG Guidelines, 2015. Collection method: clinical testing. Allele origin: germline. Observed: 2 variant alleles.
Comment: BA1, BS2, PM1_supporting

Illumina Laboratory Services, Illumina
Classification: Benign for Venous thrombosis. Last evaluated: 2018-01-13. Review status: criteria provided, single submitter. Criteria: ICSL Variant Classification Criteria 13 December 2019. Collection method: clinical testing. Allele origin: germline.
Comment: This variant was observed in the ICSL laboratory as part of a predisposition screen in an ostensibly healthy population. It had not been previously curated by ICSL or reported in the Human Gene Mutation Database (HGMD: prior to June 1st, 2018), and was therefore a candidate for classification through an automated scoring system. Utilizing variant allele frequency, disease prevalence and penetrance estimates, and inheritance mode, an automated score was calculated to assess if this variant is too frequent to cause the disease. Based on the score and internal cut-off values, a variant classified as benign is not then subjected to further curation. The score for this variant resulted in a classification of benign for this disease.

Illumina Laboratory Services, Illumina
Classification: Benign for Budd-Chiari syndrome. Last evaluated: 2018-01-13. Review status: criteria provided, single submitter. Criteria: ICSL Variant Classification Criteria 13 December 2019. Collection method: clinical testing. Allele origin: germline.
Comment: the same text as in the submission from Illumina Laboratory Services, Illumina above.

Illumina Laboratory Services, Illumina
Classification: Benign for Congenital factor V deficiency. Last evaluated: 2018-01-13. Review status: criteria provided, single submitter. Criteria: ICSL Variant Classification Criteria 13 December 2019. Collection method: clinical testing. Allele origin: germline.
Comment: the same text as in the submission from Illumina Laboratory Services, Illumina above.

Breakthrough Genomics
Classification: Likely benign. Review status: criteria provided, single submitter. Criteria: ACMG Guidelines, 2015. Collection method: not provided. Allele origin: germline. Inheritance: Autosomal recessive inheritance. Affected: yes.